The following is an entry in ClinVar:

ClinVar aggregate classification (germline): Uncertain significance. Review status: criteria provided, multiple submitters, no conflicts (2 of 4 stars). 2 submissions from 2 submitters: Uncertain significance (2). Last evaluated 2022-05-25.

Conditions:
Inborn genetic diseases. Identifiers: MedGen C0950123, MeSH D030342.

Allele frequency attached by ClinVar (database versions not stated): ExAC 0.00002; gnomAD exomes 0.00002; TOPMed 0.00002; gnomAD 0.00003.
gnomAD v4.1: 27 of 1,614,052 alleles (0.0017%); highest among the groups gnomAD compares: Admixed American, 0.02%; no homozygotes.

Submissions (2):

Labcorp Genetics (formerly Invitae), Labcorp
Classification: Uncertain significance. Last evaluated: 2022-05-25. Review status: criteria provided, single submitter. Criteria: Invitae Variant Classification Sherloc (09022015). Collection method: clinical testing. Allele origin: germline.
Comment: This sequence change replaces alanine, which is neutral and non-polar, with serine, which is neutral and polar, at codon 375 of the SLC1A4 protein (p.Ala375Ser). This variant is present in population databases (no rsID available, gnomAD 0.02%). This variant has not been reported in the literature in individuals affected with SLC1A4-related conditions. Algorithms developed to predict the effect of missense changes on protein structure and function (SIFT, PolyPhen-2, Align-GVGD) all suggest that this variant is likely to be disruptive. In summary, the available evidence is currently insufficient to determine the role of this variant in disease. Therefore, it has been classified as a Variant of Uncertain Significance.

Ambry Genetics
Classification: Uncertain significance for Inborn genetic diseases. Last evaluated: 2022-01-12. Review status: criteria provided, single submitter. Criteria: Ambry Variant Classification Scheme 2023. Collection method: clinical testing. Allele origin: germline.

NM_003038.5(SLC1A4):c.1123G>T (p.Ala375Ser)

Gene: SLC1A4 (solute carrier family 1 member 4; plus strand). Cytogenetic location: 2p14.
Variant type: single nucleotide variant.
Coding change: c.1123G>T on transcript NM_003038.5 (MANE Select); coding-DNA position 1123, G replaced by T.
Protein change: p.Ala375Ser; replaces alanine 375 with serine.
Molecular consequence: missense variant.
Genome position (GRCh38, 1-based): chr2:65,018,159, G>T. VCF-style: chr2-65018159-G-T. GRCh37 (hg19) VCF-style: chr2-65245293-G-T.
Other names: c.229G>T, p.Ala77Ser (NM_001193493.2); c.463G>T, p.Ala155Ser (NM_001348406.2, NM_001348407.2); c.1123G>T (NM_003038.4); short protein forms A155S, A375S, A77S.
Identifiers: ClinVar variation 2171878 (VCV002171878.2), dbSNP rs1264161949, ClinGen allele CA1686076.
Genomic context (GRCh38, chr2:65,018,159, plus strand): 5'-TGCATTGAAGAGAACAATGGTGTGGACAAGAGGATCAGCAGGTTTATTCTCCCCATCGGG[G>T]CCACCGTGAACATGGACGGAGCAGCCATCTTCCAGTGTGTGGCCGCGGTGTTCATTGCGC-3'
Protein context (NP_003029.2, residues 365-385): RISRFILPIG[Ala375Ser]TVNMDGAAIF